The following is an entry in ClinVar:

ClinVar aggregate classification (germline): Uncertain significance (1 of 4 stars; one submission).

Conditions:
Peutz-Jeghers syndrome (PJS). Also called: POLYPOSIS, HAMARTOMATOUS INTESTINAL; POLYPS-AND-SPOTS SYNDROME; Peutz-Jeghers polyposis; Periorificial lentiginosis syndrome. Identifiers: Orphanet 2869, MedGen C0031269, MeSH D010580, MONDO:0008280, OMIM 175200.

Submission:

Labcorp Genetics (formerly Invitae), Labcorp
Classification: Uncertain significance for Peutz-Jeghers syndrome. Last evaluated: 2020-12-27. Review status: criteria provided, single submitter. Criteria: Invitae Variant Classification Sherloc (09022015). Collection method: clinical testing. Allele origin: germline.
Comment: This sequence change replaces lysine with arginine at codon 423 of the STK11 protein (p.Lys423Arg). The lysine residue is highly conserved and there is a small physicochemical difference between lysine and arginine. In summary, the available evidence is currently insufficient to determine the role of this variant in disease. Therefore, it has been classified as a Variant of Uncertain Significance. Advanced modeling of protein sequence and biophysical properties (such as structural, functional, and spatial information, amino acid conservation, physicochemical variation, residue mobility, and thermodynamic stability) performed at Invitae indicates that this missense variant is not expected to disrupt STK11 protein function. This variant has not been reported in the literature in individuals with STK11-related conditions. The frequency data for this variant in the population databases is considered unreliable, as metrics indicate insufficient coverage at this position in the ExAC database.

NM_000455.5(STK11):c.1268A>G (p.Lys423Arg)

Gene: STK11 (serine/threonine kinase 11; plus strand). Cytogenetic location: 19p13.3.
Variant type: single nucleotide variant.
Coding change: c.1268A>G on transcript NM_000455.5 (MANE Select); coding-DNA position 1268, A replaced by G.
Protein change: p.Lys423Arg; replaces lysine 423 with arginine.
Molecular consequence: missense variant.
Genome position (GRCh38, 1-based): chr19:1,226,613, A>G. VCF-style: chr19-1226613-A-G. GRCh37 (hg19) VCF-style: chr19-1226612-A-G.
Other names: short protein forms K423R.
Identifiers: ClinVar variation 1360680 (VCV001360680.8), dbSNP rs2145436520, ClinGen allele CA402954134.